The following is an entry in ClinVar:

ClinVar aggregate classification (germline): Uncertain significance (1 of 4 stars; one submission).

Conditions:
Inborn genetic diseases. Identifiers: MedGen C0950123, MeSH D030342.

Submission:

Ambry Genetics
Classification: Uncertain significance for Inborn genetic diseases. Last evaluated: 2024-01-25. Review status: criteria provided, single submitter. Criteria: Ambry Variant Classification Scheme 2023. Collection method: clinical testing. Allele origin: germline.
Comment: The p.M2204T variant (also known as c.6611T>C), located in coding exon 39 of the ATR gene, results from a T to C substitution at nucleotide position 6611. The methionine at codon 2204 is replaced by threonine, an amino acid with similar properties. This amino acid position is conserved. In addition, this alteration is predicted to be tolerated by in silico analysis. Based on the available evidence, the clinical significance of this alteration remains unclear.

NM_001184.4(ATR):c.6611T>C (p.Met2204Thr)

Gene: ATR (ATR checkpoint kinase; minus strand). Cytogenetic location: 3q23.
Variant type: single nucleotide variant.
Coding change: c.6611T>C on transcript NM_001184.4 (MANE Select); coding-DNA position 6611, T replaced by C.
Protein change: p.Met2204Thr; replaces methionine 2204 with threonine.
Molecular consequence: missense variant.
Genome position (GRCh38, 1-based): chr3:142,468,010, A>G on the plus strand (T>C on the coding strand, the complement: ATR is on the minus strand). VCF-style: chr3-142468010-A-G. GRCh37 (hg19) VCF-style: chr3-142186852-A-G.
Other names: c.6419T>C, p.Met2140Thr (NM_001354579.2); short protein forms M2140T, M2204T.
Identifiers: ClinVar variation 3221257 (VCV003221257.1), dbSNP rs2108276072, ClinGen allele CA354803576.